The following is an entry in ClinVar:

ClinVar aggregate classification (germline): Likely benign. Review status: criteria provided, multiple submitters, no conflicts (2 of 4 stars). 2 submissions from 2 submitters: Likely benign (2). Last evaluated 2026-05-01.

gnomAD v4.1: 29 of 1,613,504 alleles (0.0018%); highest among the groups gnomAD compares: African/African-American, 0.004%; no homozygotes.

Submissions (2):

CeGaT Center for Human Genetics Tuebingen
Classification: Likely benign. Last evaluated: 2026-05-01. Review status: criteria provided, single submitter. Criteria: CeGaT Center For Human Genetics Tuebingen Variant Classification Criteria Version 2. Collection method: clinical testing. Allele origin: germline. Affected: yes. Observed: 1 variant allele.
Comment: DNAJB11: BP4, BP7

Blueprint Genetics
Classification: Likely benign. Last evaluated: 2024-11-22. Review status: criteria provided, single submitter. Criteria: ACMG Guidelines, 2015. Collection method: clinical testing. Allele origin: germline.

NM_016306.6(DNAJB11):c.654C>T (p.Asp218=)

Gene: DNAJB11 (DnaJ heat shock protein family (Hsp40) member B11; plus strand). Cytogenetic location: 3q27.3.
Variant type: single nucleotide variant.
Coding change: c.654C>T on transcript NM_016306.6 (MANE Select); coding-DNA position 654, C replaced by T.
Protein change: p.Asp218=; no amino-acid change (aspartic acid 218 retained).
Molecular consequence: synonymous variant. On other transcripts: non-coding transcript variant (6).
Genome position (GRCh38, 1-based): chr3:186,582,049, C>T. VCF-style: chr3-186582049-C-T. GRCh37 (hg19) VCF-style: chr3-186299838-C-T.
Other names: c.378C>T, p.Asp126= (NM_001378451.1).
Identifiers: ClinVar variation 4873661 (VCV004873661.3).